The following is an entry in ClinVar:

ClinVar aggregate classification (germline): Uncertain significance (1 of 4 stars; one submission).

Submission:

Women's Health and Genetics/Laboratory Corporation of America, LabCorp
Classification: Uncertain significance. Last evaluated: 2020-04-13. Review status: criteria provided, single submitter. Criteria: LabCorp Variant Classification Summary - May 2015. Collection method: clinical testing. Allele origin: germline.
Comment: Variant summary: SOS2 c.624_673dup50 (p.Arg225GlnfsX10) results in a premature termination codon, predicted to cause a truncation of the encoded protein or absence of the protein due to nonsense mediated decay. The variant was absent in 236676 control chromosomes (gnomAD). The available data on variant occurrences in the general population are insufficient to allow any conclusion about variant significance. To our knowledge, no occurrence of c.624_673dup50 in individuals affected with Noonan Syndrome And Related Conditions and no experimental evidence demonstrating its impact on protein function have been reported. No clinical diagnostic laboratories have submitted clinical-significance assessments for this variant to ClinVar after 2014. Based on the evidence outlined above, the variant was classified as uncertain significance.

NM_006939.4(SOS2):c.624_673dup (p.Arg225delinsGlnLysLysAspSerIleTyrGlyAsnTer)

Gene: SOS2 (SOS Ras/Rho guanine nucleotide exchange factor 2; minus strand). Cytogenetic location: 14q21.3.
Variant type: Duplication.
Coding change: c.624_673dup on transcript NM_006939.4 (MANE Select); coding-DNA positions 624 to 673, 50 bases duplicated.
Protein change: p.Arg225delinsGlnLysLysAspSerIleTyrGlyAsnTer.
Molecular consequence: nonsense.
Genome position (GRCh38, 1-based): chr14:50,188,538-50,188,587, 50 bases duplicated; duplicating any 50 consecutive bases within chr14:50,188,538-50,188,588 gives the same sequence; the c. name uses the placement nearest the transcript's 3' end. GRCh37 (hg19): chr14:50,655,257-50,655,306.
Identifiers: ClinVar variation 917764 (VCV000917764.1), dbSNP rs1886002059, ClinGen allele CA1139663485.